The following is an entry in ClinVar:

NM_001165963.4(SCN1A):c.4002+2319T>C

Genes: SCN1A (sodium voltage-gated channel alpha subunit 1; minus strand), LOC102724058 (uncharacterized LOC102724058; plus strand). Cytogenetic location: 2q24.3.
Variant type: single nucleotide variant.
Coding change: c.4002+2319T>C on transcript NM_001165963.4 (MANE Select); 2319 bases into the intron after coding-DNA position 4002, T replaced by C.
Molecular consequence: intron variant.
Genome position (GRCh38, 1-based): chr2:166,007,400, A>G on the plus strand (T>C on the coding strand, the complement: SCN1A is on the minus strand). VCF-style: chr2-166007400-A-G. GRCh37 (hg19) VCF-style: chr2-166863910-A-G.
Other names: c.3969+2319T>C (NM_001353949.2, NM_001353950.2, NM_001353951.2 and 2 more transcripts); c.3918+2319T>C (NM_001353958.2, NM_001353957.2, NM_001165964.3); c.4002+2319T>C (NM_001202435.3, NM_001353948.2); c.3966+2319T>C (NM_001353955.2, NM_001353954.2); c.3915+2319T>C (NM_001353960.2); c.1560+2319T>C (NM_001353961.2).
Identifiers: ClinVar variation 3609202 (VCV003609202.2).
Genomic context (GRCh38, chr2:166,007,400, plus strand): 5'-TATGACAGAACATTTGGTGTTACTTTTTGTTCATGATGCTCTCCGTCTGTTTCCCTATCC[A>G]TTAAGACTTGAGTTCTTTTGAAAAAGAAGGTATTTAAGATTTCCTAGGTTAGGAAATTAA-3'

ClinVar aggregate classification (germline): Uncertain significance (1 of 4 stars; one submission).

Conditions:
Early-infantile DEE. Also called: Early infantile epileptic encephalopathy; Ohtahara syndrome; Early infantile epileptic encephalopathy with suppression bursts. Identifiers: Orphanet 1934, MedGen C0393706, MONDO:0800491.

Submission:

Labcorp Genetics (formerly Invitae), Labcorp
Classification: Uncertain significance for Early-infantile DEE. Last evaluated: 2025-07-21. Review status: criteria provided, single submitter. Criteria: Invitae Variant Classification Sherloc (09022015). Collection method: clinical testing. Allele origin: germline.
Comment: This sequence change falls in intron 20 of the SCN1A gene. It does not directly change the encoded amino acid sequence of the SCN1A protein. However, this sequence change falls within a region encompassing a cryptic exon in the SCN1A gene, in which variants have been shown to alter splicing (PMID: 30526861, 34107977). This variant is not present in population databases (gnomAD no frequency). This variant has not been reported in the literature in individuals affected with SCN1A-related conditions. ClinVar contains an entry for this variant (Variation ID: 3609202). Algorithms developed to predict the effect of sequence changes on RNA splicing suggest that this variant is not likely to affect RNA splicing. In summary, the available evidence is currently insufficient to determine the role of this variant in disease. Therefore, it has been classified as a Variant of Uncertain Significance.

Literature cited by the submitters: PubMed 30526861; PubMed 34107977.